The following is an entry in ClinVar:

ClinVar aggregate classification (germline): Uncertain significance. Review status: criteria provided, multiple submitters, no conflicts (2 of 4 stars). 2 submissions from 2 submitters: Uncertain significance (2). Last evaluated 2025-12-03.

Conditions:
PKHD1L1-related disorder. Also called: PKHD1L1-related condition.

gnomAD v4.1: 52 of 1,608,248 alleles (0.0032%); highest among the groups gnomAD compares: Middle Eastern, 0.05%; 1 homozygote.

Submissions (2):

Ambry Genetics
Classification: Uncertain significance. Last evaluated: 2025-12-03. Review status: criteria provided, single submitter. Criteria: Ambry Variant Classification Scheme 2023. Collection method: clinical testing. Allele origin: germline.

PreventionGenetics, part of Exact Sciences
Classification: Uncertain significance for PKHD1L1-related condition. Last evaluated: 2025-04-10. Review status: criteria provided, single submitter. Criteria: ACMG Guidelines, 2015. Collection method: clinical testing. Allele origin: germline.
Comment: The PKHD1L1 c.12707T>C variant is predicted to result in the amino acid substitution p.Leu4236Ser. To our knowledge, this variant has not been reported in the literature. This variant is reported in 0.043% of alleles in individuals of South Asian descent in gnomAD. At this time, the clinical significance of this variant is uncertain due to the absence of conclusive functional and genetic evidence.

NM_177531.6(PKHD1L1):c.12707T>C (p.Leu4236Ser)

Gene: PKHD1L1 (PKHD1 like 1; plus strand). Cytogenetic location: 8q23.2.
Variant type: single nucleotide variant.
Coding change: c.12707T>C on transcript NM_177531.6 (MANE Select); coding-DNA position 12707, T replaced by C.
Protein change: p.Leu4236Ser; replaces leucine 4236 with serine.
Molecular consequence: missense variant.
Genome position (GRCh38, 1-based): chr8:109,527,006, T>C. VCF-style: chr8-109527006-T-C. GRCh37 (hg19) VCF-style: chr8-110539235-T-C.
Other names: short protein forms L4236S.
Identifiers: ClinVar variation 4568432 (VCV004568432.2).
Genomic context (GRCh38, chr8:109,527,006, plus strand): 5'-TTAGCTGTCTGGTTGGAAGAATGTGGCTCTTGGAAATATTTATGGCTGCAGTTTCAACTT[T>C]GAATATAACTTTAAGTAAGTACAGTCCATTAATACATTATTTCTCCACATGTTGAAGTAC-3'
Protein context (NP_803875.2, residues 4226-4243): LEIFMAAVST[Leu4236Ser]NITLRSY